The following is an entry in ClinVar:

ClinVar aggregate classification (germline): Uncertain significance (1 of 4 stars; one submission).

Allele frequency attached by ClinVar (database versions not stated): gnomAD exomes below 0.00001; ExAC 0.00001; gnomAD 0.00001.
gnomAD v4.1: 3 of 1,610,824 alleles (0.00019%); highest among the groups gnomAD compares: African/African-American, 0.0013%; no homozygotes.

Submission:

Labcorp Genetics (formerly Invitae), Labcorp
Classification: Uncertain significance. Last evaluated: 2022-08-09. Review status: criteria provided, single submitter. Criteria: Invitae Variant Classification Sherloc (09022015). Collection method: clinical testing. Allele origin: germline.
Comment: In summary, the available evidence is currently insufficient to determine the role of this variant in disease. Therefore, it has been classified as a Variant of Uncertain Significance. This sequence change replaces glycine, which is neutral and non-polar, with arginine, which is basic and polar, at codon 3706 of the ADGRV1 protein (p.Gly3706Arg). The frequency data for this variant in the population databases is considered unreliable, as metrics indicate poor data quality at this position in the gnomAD database. This variant has not been reported in the literature in individuals affected with ADGRV1-related conditions. ClinVar contains an entry for this variant (Variation ID: 1062806). Algorithms developed to predict the effect of missense changes on protein structure and function (SIFT, PolyPhen-2, Align-GVGD) all suggest that this variant is likely to be disruptive. Algorithms developed to predict the effect of sequence changes on RNA splicing suggest that this variant may create or strengthen a splice site.

NM_032119.4(ADGRV1):c.11116G>A (p.Gly3706Arg)

Gene: ADGRV1 (adhesion G protein-coupled receptor V1; plus strand). Cytogenetic location: 5q14.3.
Variant type: single nucleotide variant.
Coding change: c.11116G>A on transcript NM_032119.4 (MANE Select); coding-DNA position 11116, G replaced by A.
Protein change: p.Gly3706Arg; replaces glycine 3706 with arginine.
Molecular consequence: missense variant. On other transcripts: non-coding transcript variant (1).
Genome position (GRCh38, 1-based): chr5:90,750,692, G>A. VCF-style: chr5-90750692-G-A. GRCh37 (hg19) VCF-style: chr5-90046509-G-A.
Other names: short protein forms G3706R.
Identifiers: ClinVar variation 1062806 (VCV001062806.8), dbSNP rs771220294, ClinGen allele CA3340899.
Genomic context (GRCh38, chr5:90,750,692, plus strand): 5'-GGCCGTATAACCATAGCATGGGAAGCTGATGGAAGTATTAGTGATATATTTCCTACCTCA[G>A]GAGTGGTATGTAATTTACAAAGTTATAGGAAACACTTTTAAATTATGGTTACTAGTGATG-3'
Protein context (NP_115495.3, residues 3696-3716): GSISDIFPTS[Gly3706Arg]VILFTEGQVL